The following is an entry in ClinVar:

ClinVar aggregate classification (germline): Likely pathogenic (1 of 4 stars; one submission).

Conditions:
Epidermolysis bullosa dystrophica. Also called: Dystrophic epidermolysis bullosa, Hallopeau-Siemens type (formerly); Dystrophic epidermolysis bullosa. Identifiers: Orphanet 303, MedGen C0079294, MONDO:0006543.

Submission:

Natera, Inc.
Classification: Likely pathogenic for Dystrophic epidermolysis bullosa. Last evaluated: 2024-03-06. Review status: criteria provided, single submitter. Criteria: Natera Variant Classification Schema (03/2026). Collection method: clinical testing. Allele origin: germline.
Comment: The c.1940_1941delCT variant in COL7A1 is a frameshift variant predicted to shift the reading frame beginning at codon 647 and leads to a stop codon 92 codons downstream. This variant is expected to result in nonsense mediated decay, truncation, or a dysfunctional protein product. This variant is rare in the general population with a frequency below the threshold expected for the associated phenotype(s). Given the available evidence, this variant is classified as Likely Pathogenic.

NM_000094.4(COL7A1):c.1940_1941del (p.Ser647fs)

Gene: COL7A1 (collagen type VII alpha 1 chain; minus strand). Cytogenetic location: 3p21.31.
Variant type: Microsatellite.
Coding change: c.1940_1941del on transcript NM_000094.4 (MANE Select); coding-DNA positions 1940 to 1941, 2 bases deleted (CT; older notation c.1940_1941delCT).
Protein change: p.Ser647fs; shifts the reading frame from serine 647.
Molecular consequence: frameshift variant.
Genome position (GRCh38, 1-based): chr3:48,590,322-48,590,323, AG deleted on the plus strand (CT on the coding strand, the reverse complement: COL7A1 is on the minus strand); deleting any 2 consecutive bases within chr3:48,590,322-48,590,325 gives the same sequence; the c. name uses the placement nearest the transcript's 3' end. VCF-style (leftmost placement, unchanged base first): chr3-48590321-TAG-T. GRCh37 (hg19) VCF-style: chr3-48627754-TAG-T.
Other names: c.1940_1941delCT (NM_000094.3); c.1938_1939CT[1], p.Ser647Tyrfs (NM_000094.3); short protein forms S647fs.
Identifiers: ClinVar variation 4817358 (VCV004817358.1).